The following is an entry in ClinVar:

ClinVar aggregate classification (germline): Benign (0 of 4 stars; one submission).

Conditions:
DMXL1-related disorder. Also called: DMXL1-related condition.

Allele frequency attached by ClinVar (database versions not stated): ExAC 0.00076; ESP Exome Variant Server 0.00269; gnomAD 0.00275; TOPMed 0.00326; 1000 Genomes Project 0.00339; 1000 Genomes Project 30x 0.00359.
gnomAD v4.1: 943 of 1,603,458 alleles (0.059%); highest among the groups gnomAD compares: African/African-American, 0.87%; 2 homozygotes.

Submission:

PreventionGenetics, part of Exact Sciences
Classification: Benign for DMXL1-related condition. Last evaluated: 2019-06-17. Review status: no assertion criteria provided. Collection method: clinical testing. Allele origin: germline.
Comment: This variant is classified as benign based on ACMG/AMP sequence variant interpretation guidelines (Richards et al. 2015 PMID: 25741868, with internal and published modifications).

NM_001290321.3(DMXL1):c.1110A>G (p.Pro370=)

Gene: DMXL1 (Dmx like 1; plus strand). Cytogenetic location: 5q23.1.
Variant type: single nucleotide variant.
Coding change: c.1110A>G on transcript NM_001290321.3 (MANE Select); coding-DNA position 1110, A replaced by G.
Protein change: p.Pro370=; no amino-acid change (proline 370 retained).
Molecular consequence: synonymous variant. On other transcripts: non-coding transcript variant (3).
Genome position (GRCh38, 1-based): chr5:119,129,218, A>G. VCF-style: chr5-119129218-A-G. GRCh37 (hg19) VCF-style: chr5-118464913-A-G.
Other names: c.1110A>G, p.Pro370= (NM_001349239.2, NM_001349240.2, NM_001387933.1 and 4 more transcripts).
Identifiers: ClinVar variation 3034233 (VCV003034233.2), dbSNP rs113893593, ClinGen allele CA3379384.
Genomic context (GRCh38, chr5:119,129,218, plus strand): 5'-TTTCATATGCTAGAAGGTAAAAATTTTAATTTTATCTTTTTTTTCTCTTATAGACATTCC[A>G]CTTCTTCCATCTATTACATCTCTGAGTCTAAATGAAAATGAAGAGAAGACCGGACCTTTT-3'
Protein context (NP_001277250.1, residues 360-380): AASINPATDI[Pro370=]LLPSITSLSL